The following is an entry in ClinVar:

ClinVar aggregate classification (germline): Uncertain significance (1 of 4 stars; one submission).

Allele frequency attached by ClinVar (database versions not stated): ExAC 0.00001; gnomAD 0.00001; TOPMed 0.00002.
gnomAD v4.1: 3 of 1,614,064 alleles (0.00019%); highest among the groups gnomAD compares: Admixed American, 0.0017%; no homozygotes.

Submission:

Labcorp Genetics (formerly Invitae), Labcorp
Classification: Uncertain significance. Last evaluated: 2025-01-06. Review status: criteria provided, single submitter. Criteria: Invitae Variant Classification Sherloc (09022015). Collection method: clinical testing. Allele origin: germline.
Comment: This sequence change replaces threonine, which is neutral and polar, with isoleucine, which is neutral and non-polar, at codon 140 of the SLC18A2 protein (p.Thr140Ile). The frequency data for this variant in the population databases is considered unreliable, as metrics indicate poor data quality at this position in the gnomAD database. This variant has not been reported in the literature in individuals affected with SLC18A2-related conditions. ClinVar contains an entry for this variant (Variation ID: 1929707). An algorithm developed to predict the effect of missense changes on protein structure and function (PolyPhen-2) suggests that this variant is likely to be tolerated. In summary, the available evidence is currently insufficient to determine the role of this variant in disease. Therefore, it has been classified as a Variant of Uncertain Significance.

NM_003054.6(SLC18A2):c.419C>T (p.Thr140Ile)

Gene: SLC18A2 (solute carrier family 18 member A2; plus strand). Cytogenetic location: 10q25.3.
Variant type: single nucleotide variant.
Coding change: c.419C>T on transcript NM_003054.6 (MANE Select); coding-DNA position 419, C replaced by T.
Protein change: p.Thr140Ile; replaces threonine 140 with isoleucine.
Molecular consequence: missense variant.
Genome position (GRCh38, 1-based): chr10:117,244,268, C>T. VCF-style: chr10-117244268-C-T. GRCh37 (hg19) VCF-style: chr10-119003779-C-T.
Other names: short protein forms T140I.
Identifiers: ClinVar variation 1929707 (VCV001929707.4), dbSNP rs751483090, ClinGen allele CA5710260.